The following continues an entry in ClinVar:

NM_000465.4(BARD1):c.568G>A (p.Asp190Asn)

Gene: BARD1. ClinVar aggregate classification (germline): Conflicting classifications of pathogenicity. Uncertain significance (12); Likely benign (5).

Submissions 13 to 19 of 19:

Genetic Services Laboratory, University of Chicago
Classification: Uncertain significance. Last evaluated: 2021-09-17. Review status: criteria provided, single submitter. Criteria: ACMG Guidelines, 2015. Collection method: clinical testing. Allele origin: germline. Affected: no.
Comment: DNA sequence analysis of the BARD1 gene demonstrated a sequence change, c.568G>A, in exon 4 that results in an amino acid change, p.Asp190Asn. This sequence change has been described in the gnomAD database with a frequency of 0.012% in the non-Finnish European subpopulation (dbSNP rs369561166). The p.Asp190Asn change affects a poorly conserved amino acid residue located in a domain of the BARD1 protein that is not known to be functional. The p.Asp190Asn substitution appears to be benign using several in-silico pathogenicity prediction tools (SIFT, PolyPhen2, Align GVGD, REVEL). This sequence change has been reported in an individual with colorectal cancer and an individual with serous ovarian cancer (PMID: 28135145, 26315354). Due to insufficient evidences and the lack of functional studies, the clinical significance of the p.Asp190Asn change remains unknown at this time.

Ambry Genetics
Classification: Likely benign for Hereditary cancer-predisposing syndrome. Last evaluated: 2020-09-28. Review status: criteria provided, single submitter. Criteria: Ambry Variant Classification Scheme 2023. Collection method: clinical testing. Allele origin: germline.

Quest Diagnostics Nichols Institute San Juan Capistrano
Classification: Likely benign. Last evaluated: 2019-07-12. Review status: criteria provided, single submitter. Criteria: Quest Diagnostics criteria. Collection method: clinical testing. Allele origin: germline.

Baylor Genetics
Classification: Uncertain significance for Familial cancer of breast. Last evaluated: 2019-01-23. Review status: criteria provided, single submitter. Criteria: ACMG Guidelines, 2015. Collection method: clinical testing. Allele origin: paternal. Affected: yes. Study: CSER-TexasKidsCanSeq.
Comment: This variant was determined to be of uncertain significance according to ACMG Guidelines, 2015 [PMID:25741868].

Fulgent Genetics
Classification: Uncertain significance for Familial cancer of breast. Last evaluated: 2018-10-31. Review status: criteria provided, single submitter. Criteria: ACMG Guidelines, 2015. Collection method: clinical testing. Allele origin: unknown.

Counsyl
Classification: Uncertain significance for Familial cancer of breast. Last evaluated: 2017-01-03. Review status: no assertion criteria provided. Collection method: clinical testing. Allele origin: unknown. Not counted in ClinVar's aggregate classification.

Department of Pathology and Laboratory Medicine, Sinai Health System
Classification: Uncertain significance for Malignant tumor of breast. Review status: no assertion criteria provided. Collection method: clinical testing. Allele origin: unknown. Affected: yes. Observed: 1 variant allele. Study: The Canadian Open Genetics Repository (COGR). Not counted in ClinVar's aggregate classification.
Comment: The BARD1 p.Asp190Asn variant was identified in 2 of 3016 proband chromosomes (frequency: 0.0007) from individuals or families with CRC, diagnosed <50 years of age or unselected for family history or MMR tumour status (Pearlman 2016, Yurgelun 2017). The variant was also identified in dbSNP (ID: rs369561166) â€šÃ„ÃºWith Uncertain significance alleleâ€šÃ„Ã¹, ClinVar (classified uncertain significance (2017); submitters: Ambry Genetics, GeneDx, Invitae), and Clinvitae (3x) and was not identified in Cosmic, MutDB, and Zhejiang Colon Cancer Database. The variant was identified in control databases in 15 of 274658 chromosomes at a frequency of 0.00006 increasing the likelihood that this may be a low frequency benign variant in certain populations of origin (Genome Aggregation Consortium Feb 27, 2017), being identified in the following populations: Latino in 1 of 34134 chromosomes (frequency: 0.00003) and European Non-Finnish in 14 of 125726 chromosomes (frequency: 0001). The p.Asp190 residue is not conserved in mammals and computational analyses (PolyPhen-2, SIFT, AlignGVGD, BLOSUM, MutationTaster) do not suggest a high likelihood of impact to the protein; however, this information is not predictive enough to rule out pathogenicity. The variant occurs outside of the splicing consensus sequence and 2 of 5 in silico or computational prediction software programs (SpliceSiteFinder, MaxEntScan, NNSPLICE, GeneSplicer, HumanSpliceFinder) predict a greater than 10% difference in splicing; this is not very predictive of pathogenicity. In summary, based on the above information the clinical significance of this variant cannot be determined with certainty at this time. This variant is classified as a variant of uncertain significance.

Literature cited by the submitters: PubMed 26315354 (cited by 5 submitters); PubMed 28135145 (cited by 3 submitters); PubMed 34326862 (cited by Labcorp Genetics (formerly Invitae), Labcorp and Women's Health and Genetics/Laboratory Corporation of America, LabCorp); PubMed 30925164 (cited by 5 submitters); PubMed 25186627 (cited by 4 submitters); PubMed 25085752 (cited by Myriad Genetics, Inc.); PubMed 33471991 (cited by Sema4); PubMed 27978560 (cited by Quest Diagnostics Nichols Institute San Juan Capistrano).